The following is an entry in ClinVar:

NM_002495.4(NDUFS4):c.506G>C (p.Arg169Thr)

Gene: NDUFS4 (NADH:ubiquinone oxidoreductase subunit S4; plus strand). Cytogenetic location: 5q11.2.
Variant type: single nucleotide variant.
Coding change: c.506G>C on transcript NM_002495.4 (MANE Select); coding-DNA position 506, G replaced by C.
Protein change: p.Arg169Thr; replaces arginine 169 with threonine.
Molecular consequence: missense variant. On other transcripts: 3 prime UTR variant (1), non-coding transcript variant (3).
Genome position (GRCh38, 1-based): chr5:53,683,199, G>C. VCF-style: chr5-53683199-G-C. GRCh37 (hg19) VCF-style: chr5-52979029-G-C.
Other names: c.*69G>C (NM_001318051.2); short protein forms R169T.
Identifiers: ClinVar variation 1028023 (VCV001028023.1), dbSNP rs768080528, ClinGen allele CA359719480.

ClinVar aggregate classification (germline): Uncertain significance (1 of 4 stars; one submission).

Conditions:
Mitochondrial complex I deficiency, nuclear type 1. Also called: NADH-COENZYME Q REDUCTASE DEFICIENCY; MITOCHONDRIAL NADH DEHYDROGENASE COMPONENT OF COMPLEX I, DEFICIENCY OF. Identifiers: MedGen C6022305, MONDO:0100224, OMIM 252010.

Submission:

Baylor Genetics
Classification: Uncertain significance for Mitochondrial complex I deficiency, nuclear type 1. Last evaluated: 2020-02-06. Review status: criteria provided, single submitter. Criteria: ACMG Guidelines, 2015. Collection method: clinical testing. Allele origin: unknown. Affected: yes.
Comment: This variant was determined to be of uncertain significance according to ACMG Guidelines, 2015 [PMID:25741868].